The following is an entry in ClinVar:

NM_001034853.2(RPGR):c.1600C>G (p.Gln534Glu)

Gene: RPGR (retinitis pigmentosa GTPase regulator; minus strand). Cytogenetic location: Xp11.4.
Variant type: single nucleotide variant.
Coding change: c.1600C>G on transcript NM_001034853.2 (MANE Select); coding-DNA position 1600, C replaced by G.
Protein change: p.Gln534Glu; replaces glutamine 534 with glutamic acid.
Molecular consequence: missense variant. On other transcripts: non-coding transcript variant (1), intron variant (5).
Genome position (GRCh38, 1-based): chrX:38,288,014, G>C on the plus strand (C>G on the coding strand, the complement: RPGR is on the minus strand). VCF-style: chrX-38288014-G-C. GRCh37 (hg19) VCF-style: chrX-38147267-G-C.
Other names: c.1600C>G, p.Gln534Glu (NM_000328.3); c.1597C>G, p.Gln533Glu (NM_001367245.1); c.1414C>G, p.Gln472Glu (NM_001367246.1); c.1569+2945C>G (NM_001367249.1, NM_001367250.1); c.1386+2945C>G (NM_001367251.1); c.1572+2945C>G (NM_001367247.1); c.1602+2945C>G (NM_001367248.1); short protein forms Q533E, Q472E, Q534E.
Identifiers: ClinVar variation 2973515 (VCV002973515.3), dbSNP rs2519798907, ClinGen allele CA412737482.

ClinVar aggregate classification (germline): Uncertain significance (1 of 4 stars; one submission).

Conditions:
Primary ciliary dyskinesia. Also called: Ciliary dyskinesia. Identifiers: Orphanet 244, MedGen C0008780, MONDO:0016575, HP:0012265.

Submission:

Labcorp Genetics (formerly Invitae), Labcorp
Classification: Uncertain significance for Primary ciliary dyskinesia. Last evaluated: 2023-03-21. Review status: criteria provided, single submitter. Criteria: Invitae Variant Classification Sherloc (09022015). Collection method: clinical testing. Allele origin: germline.
Comment: Advanced modeling of protein sequence and biophysical properties (such as structural, functional, and spatial information, amino acid conservation, physicochemical variation, residue mobility, and thermodynamic stability) performed at Invitae indicates that this missense variant is not expected to disrupt RPGR protein function. This sequence change replaces glutamine, which is neutral and polar, with glutamic acid, which is acidic and polar, at codon 534 of the RPGR protein (p.Gln534Glu). This variant is not present in population databases (gnomAD no frequency). This variant has not been reported in the literature in individuals affected with RPGR-related conditions. In summary, the available evidence is currently insufficient to determine the role of this variant in disease. Therefore, it has been classified as a Variant of Uncertain Significance.